The following is an entry in ClinVar:

NM_000258.3(MYL3):c.55G>T (p.Ala19Ser)

Gene: MYL3 (myosin light chain 3; minus strand). Cytogenetic location: 3p21.31.
Variant type: single nucleotide variant.
Coding change: c.55G>T on transcript NM_000258.3 (MANE Select); coding-DNA position 55, G replaced by T.
Protein change: p.Ala19Ser; replaces alanine 19 with serine.
Molecular consequence: missense variant.
Genome position (GRCh38, 1-based): chr3:46,863,336, C>A on the plus strand (G>T on the coding strand, the complement: MYL3 is on the minus strand). VCF-style: chr3-46863336-C-A. GRCh37 (hg19) VCF-style: chr3-46904826-C-A.
Other names: c.55G>T, p.Ala19Ser (NM_001406937.1, NM_001406938.1, NM_001406939.1); short protein forms A19S.
Identifiers: ClinVar variation 1748567 (VCV001748567.10), dbSNP rs141778691, ClinGen allele CA044903.

ClinVar aggregate classification (germline): Uncertain significance. Review status: criteria provided, multiple submitters, no conflicts (2 of 4 stars). 4 submissions from 4 submitters: Uncertain significance (4). Last evaluated 2025-12-23.

Conditions:
Cardiomyopathy (CMYO). Also called: Cardiomyopathies. Identifiers: Orphanet 167848, MedGen C0878544, MONDO:0004994, HP:0001638. Inheritance: Various modes of inheritance.
Cardiovascular phenotype. Identifiers: MedGen CN230736.
Hypertrophic cardiomyopathy. Also called: HYPERTROPHIC MYOCARDIOPATHY. Identifiers: Orphanet 217569, MedGen C0007194, MeSH D002312, MONDO:0005045, HP:0001639.

Allele frequency attached by ClinVar (database versions not stated): ExAC 0.00002; gnomAD 0.00002; gnomAD exomes 0.00002; TOPMed 0.00002; ESP Exome Variant Server 0.00008.
gnomAD v4.1: 31 of 1,613,846 alleles (0.0019%); highest among the groups gnomAD compares: Non-Finnish European, 0.0024%; no homozygotes.

Submissions (4):

Labcorp Genetics (formerly Invitae), Labcorp
Classification: Uncertain significance for Hypertrophic cardiomyopathy. Last evaluated: 2025-12-23. Review status: criteria provided, single submitter. Criteria: Invitae Variant Classification Sherloc (09022015). Collection method: clinical testing. Allele origin: germline.
Comment: This sequence change replaces alanine, which is neutral and non-polar, with serine, which is neutral and polar, at codon 19 of the MYL3 protein (p.Ala19Ser). This variant is present in population databases (rs141778691, gnomAD 0.004%). This variant has not been reported in the literature in individuals affected with MYL3-related conditions. ClinVar contains an entry for this variant (Variation ID: 1748567). Experimental studies and prediction algorithms are not available or were not evaluated, and the functional significance of this variant is currently unknown. In summary, the available evidence is currently insufficient to determine the role of this variant in disease. Therefore, it has been classified as a Variant of Uncertain Significance.

Ambry Genetics
Classification: Uncertain significance for Cardiovascular phenotype. Last evaluated: 2025-08-28. Review status: criteria provided, single submitter. Criteria: Ambry Variant Classification Scheme 2023. Collection method: clinical testing. Allele origin: germline.
Comment: The p.A19S variant (also known as c.55G>T), located in coding exon 1 of the MYL3 gene, results from a G to T substitution at nucleotide position 55. The alanine at codon 19 is replaced by serine, an amino acid with similar properties. This amino acid position is conserved. In addition, this alteration is predicted to be tolerated by in silico analysis. Since supporting evidence is limited at this time, the clinical significance of this alteration remains unclear.

All of Us Research Program, National Institutes of Health
Classification: Uncertain significance for Hypertrophic cardiomyopathy. Last evaluated: 2024-06-11. Review status: criteria provided, single submitter. Criteria: ACMG Guidelines, 2015. Collection method: clinical testing. Allele origin: germline. Inheritance: Autosomal dominant inheritance. Observed: 4 variant alleles, 4 heterozygotes.
Comment: This missense variant replaces alanine with serine at codon 19 of the MYL3 protein. Computational prediction suggests that this variant may not impact protein structure and function (internally defined REVEL score threshold <= 0.5, PMID: 27666373). To our knowledge, functional studies have not been reported for this variant. This variant has not been reported in individuals affected with MYL3-related disorders in the literature. This variant has been identified in 4/250958 chromosomes in the general population by the Genome Aggregation Database (gnomAD). The available evidence is insufficient to determine the role of this variant in disease conclusively. Therefore, this variant is classified as a Variant of Uncertain Significance.

This study involves interpretation of variants in research participants for the purpose of population health screening. Participant phenotype was not available at the time of variant classification. Additional details can be found in publication PMID: 35346344, PMCID: PMC8962531

Color Diagnostics, LLC DBA Color Health
Classification: Uncertain significance for Cardiomyopathy. Last evaluated: 2024-03-06. Review status: criteria provided, single submitter. Criteria: ACMG Guidelines, 2015. Collection method: clinical testing. Allele origin: germline.
Comment: This missense variant replaces alanine with serine at codon 19 of the MYL3 protein. Computational prediction suggests that this variant may not impact protein structure and function (internally defined REVEL score threshold <= 0.5, PMID: 27666373). To our knowledge, functional studies have not been reported for this variant. This variant has not been reported in individuals affected with MYL3-related disorders in the literature. This variant has been identified in 4/250958 chromosomes in the general population by the Genome Aggregation Database (gnomAD). The available evidence is insufficient to determine the role of this variant in disease conclusively. Therefore, this variant is classified as a Variant of Uncertain Significance.